The following is an entry in ClinVar:

ClinVar aggregate classification (germline): Likely benign (0 of 4 stars; one submission).

Conditions:
PMFBP1-related disorder. Also called: PMFBP1-related condition.

Allele frequency attached by ClinVar (database versions not stated): ExAC 0.00007; ESP Exome Variant Server 0.00008; gnomAD 0.00013; TOPMed 0.00022; 1000 Genomes Project 0.00060; 1000 Genomes Project 30x 0.00062.
gnomAD v4.1: 100 of 1,614,136 alleles (0.0062%); highest among the groups gnomAD compares: Middle Eastern, 0.083%; no homozygotes.

Submission:

PreventionGenetics, part of Exact Sciences
Classification: Likely benign for PMFBP1-related condition. Last evaluated: 2019-03-06. Review status: no assertion criteria provided. Collection method: clinical testing. Allele origin: germline.
Comment: This variant is classified as likely benign based on ACMG/AMP sequence variant interpretation guidelines (Richards et al. 2015 PMID: 25741868, with internal and published modifications).

NM_031293.3(PMFBP1):c.501C>T (p.Ala167=)

Gene: PMFBP1 (polyamine modulated factor 1 binding protein 1; minus strand). Cytogenetic location: 16q22.2.
Variant type: single nucleotide variant.
Coding change: c.501C>T on transcript NM_031293.3 (MANE Select); coding-DNA position 501, C replaced by T.
Protein change: p.Ala167=; no amino-acid change (alanine 167 retained).
Molecular consequence: synonymous variant.
Genome position (GRCh38, 1-based): chr16:72,150,743, G>A on the plus strand (C>T on the coding strand, the complement: PMFBP1 is on the minus strand). VCF-style: chr16-72150743-G-A. GRCh37 (hg19) VCF-style: chr16-72184642-G-A.
Other names: c.66C>T, p.Ala22= (NM_001160213.2).
Identifiers: ClinVar variation 3046896 (VCV003046896.2), dbSNP rs36111057, ClinGen allele CA8161988.